The following is an entry in ClinVar:

NM_000302.4(PLOD1):c.564G>C (p.Leu188Phe)

Gene: PLOD1 (procollagen-lysine,2-oxoglutarate 5-dioxygenase 1; plus strand). Cytogenetic location: 1p36.22.
Variant type: single nucleotide variant.
Coding change: c.564G>C on transcript NM_000302.4 (MANE Select); coding-DNA position 564, G replaced by C.
Protein change: p.Leu188Phe; replaces leucine 188 with phenylalanine.
Molecular consequence: missense variant.
Genome position (GRCh38, 1-based): chr1:11,952,720, G>C. VCF-style: chr1-11952720-G-C. GRCh37 (hg19) VCF-style: chr1-12012777-G-C.
Other names: p.Leu188Phe; c.705G>C, p.Leu235Phe (NM_001316320.2); short protein forms L188F, L235F.
Identifiers: ClinVar variation 440166 (VCV000440166.70), dbSNP rs201888323, ClinGen allele CA597943.
Genomic context (GRCh38, chr1:11,952,720, plus strand): 5'-GGCCGAGTGGGAGGGCCAGGACAGCGACAGCGATCAGCTGTTTTACACCAAGATCTTCTT[G>C]GACCCGGAGAAGAGGGTAAGAGGCAGTGGGCGGGCCAAGGAGAGGGGGCTGGGGATCCAC-3'
Protein context (NP_000293.2, residues 178-198): SDQLFYTKIF[Leu188Phe]DPEKREQINI

ClinVar aggregate classification (germline): Conflicting classifications of pathogenicity. Review status: criteria provided, conflicting classifications (1 of 4 stars). 11 submissions from 11 submitters: Uncertain significance (1); Benign (3); Likely benign (7). Last evaluated 2026-09-21.

Conditions:
Familial thoracic aortic aneurysm and aortic dissection (TAAD). Also called: Thoracic aortic aneurysms and dissections. Identifiers: Orphanet 91387, MedGen C4707243, MONDO:0019625.
Ehlers-Danlos syndrome, kyphoscoliotic type 1 (EDSKSCL1). Also called: EHLERS-DANLOS SYNDROME, OCULAR-SCOLIOTIC TYPE; PLOD1-Related Kyphoscoliotic Ehlers-Danlos Syndrome; Ehlers-Danlos syndrome, hydroxylysine-deficient; EHLERS-DANLOS SYNDROME, TYPE VIA. Identifiers: Orphanet 1900, MedGen C0268342, MONDO:0016002, OMIM 225400. Disease mechanism: loss of function.
Ehlers-Danlos syndrome (EDS). Identifiers: Orphanet 98249, MedGen C0013720, MONDO:0020066.

Allele frequency attached by ClinVar (database versions not stated): ExAC 0.00074; ESP Exome Variant Server 0.00015; gnomAD exomes 0.00030 and 0.00120; gnomAD 0.00106; 1000 Genomes Project 0.00200; 1000 Genomes Project 30x 0.00219; TOPMed 0.00148.
gnomAD v4.1: 609 of 1,612,800 alleles (0.038%); highest among the groups gnomAD compares: Admixed American, 0.9%; 8 homozygotes.

Submissions (11):

Molecular Diagnostic Laboratory for Inherited Cardiovascular Disease, Montreal Heart Institute
Classification: Likely benign. Last evaluated: 2026-09-21. Review status: criteria provided, single submitter. Criteria: ACMG Guidelines, 2015. Collection method: clinical testing. Allele origin: germline. Affected: no.
Comment: BS1;BP1

Labcorp Genetics (formerly Invitae), Labcorp
Classification: Likely benign for Ehlers-Danlos syndrome, kyphoscoliotic type 1. Last evaluated: 2026-01-28. Review status: criteria provided, single submitter. Criteria: Invitae Variant Classification Sherloc (09022015). Collection method: clinical testing. Allele origin: germline.

Blueprint Genetics
Classification: Likely benign. Last evaluated: 2024-09-30. Review status: criteria provided, single submitter. Criteria: ACMG Guidelines, 2015. Collection method: clinical testing. Allele origin: germline.

Women's Health and Genetics/Laboratory Corporation of America, LabCorp
Classification: Uncertain significance. Last evaluated: 2023-07-21. Review status: criteria provided, single submitter. Criteria: LabCorp Variant Classification Summary - May 2015. Collection method: clinical testing. Allele origin: germline.

Mayo Clinic Laboratories, Mayo Clinic
Classification: Benign. Last evaluated: 2023-02-23. Review status: criteria provided, single submitter. Criteria: ACMG Guidelines, 2015. Collection method: clinical testing. Allele origin: germline. Observed: 6 variant alleles.
Comment: BS1, BS2

ARUP Laboratories, Molecular Genetics and Genomics, ARUP Laboratories
Classification: Likely benign for Ehlers-Danlos syndrome, kyphoscoliotic type 1. Last evaluated: 2022-08-16. Review status: criteria provided, single submitter. Criteria: ARUP Molecular Germline Variant Investigation Process 2021. Collection method: clinical testing. Allele origin: germline.

Fulgent Genetics
Classification: Likely benign for Ehlers-Danlos syndrome, kyphoscoliotic type 1. Last evaluated: 2021-07-28. Review status: criteria provided, single submitter. Criteria: ACMG Guidelines, 2015. Collection method: clinical testing. Allele origin: unknown.

GeneDx
Classification: Benign. Last evaluated: 2020-09-25. Review status: criteria provided, single submitter. Criteria: GeneDx Variant Classification Process June 2021. Collection method: clinical testing. Allele origin: germline. Affected: yes.

Genome Diagnostics Laboratory, The Hospital for Sick Children
Classification: Likely benign for Ehlers-Danlos syndrome. Last evaluated: 2018-12-01. Review status: criteria provided, single submitter. Criteria: ACMG Guidelines, 2015. Collection method: clinical testing. Allele origin: germline.

Ambry Genetics
Classification: Benign for Familial thoracic aortic aneurysm and aortic dissection. Last evaluated: 2016-03-31. Review status: criteria provided, single submitter. Criteria: Ambry Variant Classification Scheme 2023. Collection method: clinical testing. Allele origin: germline.

Breakthrough Genomics
Classification: Likely benign. Review status: criteria provided, single submitter. Criteria: ACMG Guidelines, 2015. Collection method: not provided. Allele origin: germline. Inheritance: Autosomal recessive inheritance. Affected: yes.